The following is an entry in ClinVar:

NM_002473.6(MYH9):c.1992G>A (p.Thr664=)

Gene: MYH9 (myosin heavy chain 9; minus strand). Cytogenetic location: 22q12.3.
Variant type: single nucleotide variant.
Coding change: c.1992G>A on transcript NM_002473.6 (MANE Select); coding-DNA position 1992, G replaced by A.
Protein change: p.Thr664=; no amino-acid change (threonine 664 retained).
Molecular consequence: synonymous variant.
Genome position (GRCh38, 1-based): chr22:36,306,459, C>T on the plus strand (G>A on the coding strand, the complement: MYH9 is on the minus strand). VCF-style: chr22-36306459-C-T. GRCh37 (hg19) VCF-style: chr22-36702505-C-T.
Identifiers: ClinVar variation 2896702 (VCV002896702.4), dbSNP rs202125487, ClinGen allele CA10210131.

ClinVar aggregate classification (germline): Likely benign. Review status: criteria provided, single submitter (1 of 4 stars). 2 submissions from 2 submitters: Likely benign (1). 1 of the submissions does not count toward it. Last evaluated 2025-01-30.

Conditions:
MYH9-related disorder. Identifiers: MedGen C1854520.

Allele frequency attached by ClinVar (database versions not stated): ExAC 0.00003; gnomAD 0.00003; TOPMed 0.00005; ESP Exome Variant Server 0.00008; 1000 Genomes Project 0.00060; 1000 Genomes Project 30x 0.00062.
gnomAD v4.1: 20 of 1,614,128 alleles (0.0012%); highest among the groups gnomAD compares: South Asian, 0.011%; 1 homozygote.

Submissions (2):

Labcorp Genetics (formerly Invitae), Labcorp
Classification: Likely benign. Last evaluated: 2025-01-30. Review status: criteria provided, single submitter. Criteria: Invitae Variant Classification Sherloc (09022015). Collection method: clinical testing. Allele origin: germline.

PreventionGenetics, part of Exact Sciences
Classification: Likely benign for MYH9-related condition. Last evaluated: 2024-05-31. Review status: no assertion criteria provided. Collection method: clinical testing. Allele origin: germline. Not counted in ClinVar's aggregate classification.
Comment: This variant is classified as likely benign based on ACMG/AMP sequence variant interpretation guidelines (Richards et al. 2015 PMID: 25741868, with internal and published modifications).